The following is an entry in ClinVar:

ClinVar aggregate classification (germline): Uncertain significance (1 of 4 stars; one submission).

Conditions:
Distal myopathy with posterior leg and anterior hand involvement. Also called: WILLIAMS DISTAL MYOPATHY. Identifiers: Orphanet 63273, MedGen C3279722, MONDO:0013550, OMIM 614065.
Myofibrillar myopathy 5. Also called: FILAMINOPATHY, AUTOSOMAL DOMINANT; Filaminopathy (type). Identifiers: Orphanet 171445, MedGen C1836050, MONDO:0012289, OMIM 609524.
Hypertrophic cardiomyopathy 26. Also called: Cardiomyopathy, familial hypertrophic, 26. Identifiers: Orphanet 75249, MedGen C4310749, MONDO:0014883, OMIM 617047.

Submission:

Labcorp Genetics (formerly Invitae), Labcorp
Classification: Uncertain significance for Distal myopathy with posterior leg and anterior hand involvement; Myofibrillar myopathy 5; Hypertrophic cardiomyopathy 26. Last evaluated: 2022-06-27. Review status: criteria provided, single submitter. Criteria: Invitae Variant Classification Sherloc (09022015). Collection method: clinical testing. Allele origin: germline.
Comment: This sequence change replaces glycine, which is neutral and non-polar, with serine, which is neutral and polar, at codon 408 of the FLNC protein (p.Gly408Ser). This variant is not present in population databases (gnomAD no frequency). This variant has not been reported in the literature in individuals affected with FLNC-related conditions. Algorithms developed to predict the effect of missense changes on protein structure and function are either unavailable or do not agree on the potential impact of this missense change (SIFT: "Deleterious"; PolyPhen-2: "Probably Damaging"; Align-GVGD: "Class C0"). In summary, the available evidence is currently insufficient to determine the role of this variant in disease. Therefore, it has been classified as a Variant of Uncertain Significance.

NM_001458.5(FLNC):c.1222G>A (p.Gly408Ser)

Gene: FLNC (filamin C; plus strand). Cytogenetic location: 7q32.1.
Variant type: single nucleotide variant.
Coding change: c.1222G>A on transcript NM_001458.5 (MANE Select); coding-DNA position 1222, G replaced by A.
Protein change: p.Gly408Ser; replaces glycine 408 with serine.
Molecular consequence: missense variant.
Genome position (GRCh38, 1-based): chr7:128,838,614, G>A. VCF-style: chr7-128838614-G-A. GRCh37 (hg19) VCF-style: chr7-128478668-G-A.
Other names: c.1222G>A, p.Gly408Ser (NM_001127487.2); short protein forms G408S.
Identifiers: ClinVar variation 1397246 (VCV001397246.8), dbSNP rs2128934484, ClinGen allele CA369224373.